The following is an entry in ClinVar:

NM_020928.2(ZSWIM6):c.691G>A (p.Gly231Ser)

Gene: ZSWIM6 (zinc finger SWIM-type containing 6; plus strand). Cytogenetic location: 5q12.1.
Variant type: single nucleotide variant.
Coding change: c.691G>A on transcript NM_020928.2 (MANE Select); coding-DNA position 691, G replaced by A.
Protein change: p.Gly231Ser; replaces glycine 231 with serine.
Molecular consequence: missense variant.
Genome position (GRCh38, 1-based): chr5:61,472,695, G>A. VCF-style: chr5-61472695-G-A. GRCh37 (hg19) VCF-style: chr5-60768522-G-A.
Other names: short protein forms G231S.
Identifiers: ClinVar variation 1810674 (VCV001810674.1), dbSNP rs2479004822, ClinGen allele CA359941255.

ClinVar aggregate classification (germline): Uncertain significance (1 of 4 stars; one submission).

Allele frequency attached by ClinVar (database versions not stated): gnomAD exomes below 0.00001.
gnomAD v4.1: 2 of 1,528,112 alleles (0.00013%); highest among the groups gnomAD compares: Non-Finnish European, 0.00018%; no homozygotes.

Submission:

GeneDx
Classification: Uncertain significance. Last evaluated: 2022-07-05. Review status: criteria provided, single submitter. Criteria: GeneDx Variant Classification Process June 2021. Collection method: clinical testing. Allele origin: germline. Affected: yes.
Comment: Not observed at significant frequency in large population cohorts (gnomAD); In silico analysis supports that this missense variant has a deleterious effect on protein structure/function; Has not been previously published as pathogenic or benign to our knowledge